The following is an entry in ClinVar:

ClinVar aggregate classification (germline): Conflicting classifications of pathogenicity. Review status: criteria provided, conflicting classifications (1 of 4 stars). 5 submissions from 5 submitters: Uncertain significance (3); Likely benign (1). 1 of the submissions does not count toward it. Last evaluated 2025-07-02.

Conditions:
Breast-ovarian cancer, familial, susceptibility to, 4. Identifiers: Orphanet 145, MedGen C3280345, MONDO:0013669, OMIM 614291.
RAD51D-related disorder. Also called: RAD51D-related condition.
Hereditary cancer-predisposing syndrome. Also called: Neoplastic Syndromes, Hereditary; Tumor predisposition; Hereditary neoplastic syndrome; Hereditary Cancer Syndrome. Identifiers: Orphanet 140162, MedGen C0027672, MeSH D009386, MONDO:0015356.

Allele frequency attached by ClinVar (database versions not stated): gnomAD exomes below 0.00001.
gnomAD v4.1: 1 of 1,614,226 alleles (0.000062%); highest among the groups gnomAD compares: Non-Finnish European, 0.000085%; no homozygotes.

Submissions (5):

Labcorp Genetics (formerly Invitae), Labcorp
Classification: Uncertain significance for Breast-ovarian cancer, familial, susceptibility to, 4. Last evaluated: 2025-07-02. Review status: criteria provided, single submitter. Criteria: Invitae Variant Classification Sherloc (09022015). Collection method: clinical testing. Allele origin: germline.
Comment: This sequence change replaces valine, which is neutral and non-polar, with methionine, which is neutral and non-polar, at codon 200 of the RAD51D protein (p.Val200Met). This variant is not present in population databases (gnomAD no frequency). This variant has not been reported in the literature in individuals affected with RAD51D-related conditions. ClinVar contains an entry for this variant (Variation ID: 578475). Invitae Evidence Modeling of protein sequence and biophysical properties (such as structural, functional, and spatial information, amino acid conservation, physicochemical variation, residue mobility, and thermodynamic stability) indicates that this missense variant is not expected to disrupt RAD51D protein function with a negative predictive value of 80%. In summary, the available evidence is currently insufficient to determine the role of this variant in disease. Therefore, it has been classified as a Variant of Uncertain Significance.

Ambry Genetics
Classification: Likely benign for Hereditary cancer-predisposing syndrome. Last evaluated: 2024-09-22. Review status: criteria provided, single submitter. Criteria: Ambry Variant Classification Scheme 2023. Collection method: clinical testing. Allele origin: germline.

GeneDx
Classification: Uncertain significance. Last evaluated: 2024-03-27. Review status: criteria provided, single submitter. Criteria: GeneDx Variant Classification Process June 2021. Collection method: clinical testing. Allele origin: germline. Affected: yes.
Comment: Not observed at significant frequency in large population cohorts (gnomAD); In silico analysis supports that this missense variant does not alter protein structure/function; Has not been previously published as pathogenic or benign to our knowledge; This variant is associated with the following publications: (PMID: 21111057, 14704354)

Color Diagnostics, LLC DBA Color Health
Classification: Uncertain significance for Hereditary cancer-predisposing syndrome. Last evaluated: 2020-03-16. Review status: criteria provided, single submitter. Criteria: ACMG Guidelines, 2015. Collection method: clinical testing. Allele origin: germline.
Comment: This missense variant replaces valine with methionine at codon 200 of the RAD51D protein. Computational prediction suggests that this variant may not impact protein structure and function (internally defined REVEL score threshold <= 0.5, PMID: 27666373). Splice site prediction tools suggest that this variant may not impact RNA splicing. To our knowledge, functional studies have not been reported for this variant. This variant has not been reported in individuals affected with hereditary cancer in the literature. This variant has not been identified in the general population by the Genome Aggregation Database (gnomAD). The available evidence is insufficient to determine the role of this variant in disease conclusively. Therefore, this variant is classified as a Variant of Uncertain Significance.

PreventionGenetics, part of Exact Sciences
Classification: Uncertain significance for RAD51D-related condition. Last evaluated: 2023-11-30. Review status: no assertion criteria provided. Collection method: clinical testing. Allele origin: germline. Not counted in ClinVar's aggregate classification.
Comment: The RAD51D c.598G>A variant is predicted to result in the amino acid substitution p.Val200Met. To our knowledge, this variant has not been reported in the literature or in a large population database, indicating this variant is rare. It is interpreted as uncertain significance in ClinVar. At this time, the clinical significance of this variant is uncertain due to the absence of conclusive functional and genetic evidence.

NM_002878.4(RAD51D):c.598G>A (p.Val200Met)

Genes: RAD51D (RAD51 paralog D; minus strand), RAD51L3-RFFL (RAD51L3-RFFL readthrough; minus strand). Cytogenetic location: 17q12.
Variant type: single nucleotide variant.
Coding change: c.598G>A on transcript NM_002878.4 (MANE Select); coding-DNA position 598, G replaced by A.
Protein change: p.Val200Met; replaces valine 200 with methionine.
Molecular consequence: missense variant. On other transcripts: non-coding transcript variant (3).
Genome position (GRCh38, 1-based): chr17:35,103,523, C>T on the plus strand (G>A on the coding strand, the complement: RAD51D is on the minus strand). VCF-style: chr17-35103523-C-T. GRCh37 (hg19) VCF-style: chr17-33430542-C-T.
Other names: c.658G>A, p.Val220Met (NM_001142571.2); c.262G>A, p.Val88Met (NM_133629.3); short protein forms V200M, V220M, V88M.
Identifiers: ClinVar variation 578475 (VCV000578475.15), dbSNP rs1567726600, ClinGen allele CA399087960.